The following is an entry in ClinVar:

NM_000059.4(BRCA2):c.5213C>A (p.Thr1738Asn)

Gene: BRCA2 (BRCA2 DNA repair associated; plus strand). Cytogenetic location: 13q13.1.
Variant type: single nucleotide variant.
Coding change: c.5213C>A on transcript NM_000059.4 (MANE Select); coding-DNA position 5213, C replaced by A.
Protein change: p.Thr1738Asn; replaces threonine 1738 with asparagine.
Molecular consequence: missense variant.
Genome position (GRCh38, 1-based): chr13:32,339,568, C>A. VCF-style: chr13-32339568-C-A. GRCh37 (hg19) VCF-style: chr13-32913705-C-A.
Other names: short protein forms T1738N.
Identifiers: ClinVar variation 665162 (VCV000665162.12), dbSNP rs1593904785, ClinGen allele CA387784622.

ClinVar aggregate classification (germline): Conflicting classifications of pathogenicity. Review status: criteria provided, conflicting classifications (1 of 4 stars). 3 submissions from 3 submitters: Uncertain significance (2); Likely benign (1). Last evaluated 2023-03-23.

Conditions:
Hereditary cancer-predisposing syndrome. Also called: Tumor predisposition; Hereditary neoplastic syndrome; Neoplastic Syndromes, Hereditary; Hereditary Cancer Syndrome. Identifiers: Orphanet 140162, MedGen C0027672, MeSH D009386, MONDO:0015356.
Hereditary breast ovarian cancer syndrome. Also called: BRCA1- and BRCA2-Associated Hereditary Breast and Ovarian Cancer; Breast and ovarian cancer; Hereditary breast and ovarian cancer syndrome (HBOC); Hereditary breast and ovarian cancer; Hereditary breast and ovarian cancer syndrome; Hereditary breast and/or ovarian cancer syndrome. Identifiers: Orphanet 145, MedGen C0677776, MeSH D061325, MONDO:0003582. Disease mechanism: loss of function.

Submissions (3):

University of Washington Department of Laboratory Medicine, University of Washington
Classification: Likely benign for Hereditary cancer-predisposing syndrome. Last evaluated: 2023-03-23. Review status: criteria provided, single submitter. Criteria: Dines et al. (Genet Med. 2020). Collection method: curation. Allele origin: germline.
Comment: Missense variant in a coldspot region where missense variants are very unlikely to be pathogenic (PMID:31911673).

BRCA2 exon 11 coldspot. Reclassification based on statistical prior probability.

Ambry Genetics
Classification: Uncertain significance for Hereditary cancer-predisposing syndrome. Last evaluated: 2023-02-10. Review status: criteria provided, single submitter. Criteria: Ambry Variant Classification Scheme 2023. Collection method: clinical testing. Allele origin: germline.
Comment: The p.T1738N variant (also known as c.5213C>A), located in coding exon 10 of the BRCA2 gene, results from a C to A substitution at nucleotide position 5213. The threonine at codon 1738 is replaced by asparagine, an amino acid with similar properties. This amino acid position is not well conserved in available vertebrate species. In addition, this alteration is predicted to be tolerated by in silico analysis. Since supporting evidence is limited at this time, the clinical significance of this alteration remains unclear.

Labcorp Genetics (formerly Invitae), Labcorp
Classification: Uncertain significance for Hereditary breast ovarian cancer syndrome. Last evaluated: 2022-07-19. Review status: criteria provided, single submitter. Criteria: Invitae Variant Classification Sherloc (09022015). Collection method: clinical testing. Allele origin: germline.
Comment: In summary, the available evidence is currently insufficient to determine the role of this variant in disease. Therefore, it has been classified as a Variant of Uncertain Significance. Advanced modeling of protein sequence and biophysical properties (such as structural, functional, and spatial information, amino acid conservation, physicochemical variation, residue mobility, and thermodynamic stability) performed at Invitae indicates that this missense variant is not expected to disrupt BRCA2 protein function. ClinVar contains an entry for this variant (Variation ID: 665162). This variant has not been reported in the literature in individuals affected with BRCA2-related conditions. This variant is not present in population databases (gnomAD no frequency). This sequence change replaces threonine, which is neutral and polar, with asparagine, which is neutral and polar, at codon 1738 of the BRCA2 protein (p.Thr1738Asn).